The following is an entry in ClinVar:

NM_001128425.2(MUTYH):c.-127C>T

Genes: MUTYH (mutY DNA glycosylase; minus strand), TOE1 (target of EGR1, exonuclease; plus strand). Cytogenetic location: 1p34.1.
Variant type: single nucleotide variant.
Coding change: c.-127C>T on transcript NM_001128425.2 (MANE Plus Clinical); 127 bases upstream of the start codon, C replaced by T.
Molecular consequence: 5 prime UTR variant. On other transcripts: non-coding transcript variant (3), intron variant (1).
Genome position (GRCh38, 1-based): chr1:45,340,381, G>A on the plus strand (C>T on the coding strand, the complement: MUTYH is on the minus strand). VCF-style: chr1-45340381-G-A. GRCh37 (hg19) VCF-style: chr1-45806053-G-A.
Other names: c.-127C>T (NM_001407069.1, NM_001407073.1, NM_012222.3 and 1 more transcripts); c.-185C>T (NM_001407070.1, NM_001407071.1); c.-165C>T (NM_001407072.1); c.52+77G>A (NM_025077.4); c.-169C>T (NM_001048171.2); c.-381C>T (NM_001293192.2); c.-440C>T (NM_001350650.2); c.-376C>T (NM_001350651.2).
Identifiers: ClinVar variation 428279 (VCV000428279.14), dbSNP rs3219466, ClinGen allele CA10670682.

ClinVar aggregate classification (germline): Conflicting classifications of pathogenicity. Review status: criteria provided, conflicting classifications (1 of 4 stars). 5 submissions from 5 submitters: Uncertain significance (1); Benign (1); Likely benign (2). 1 of the submissions does not count toward it. Last evaluated 2025-11-17.

Conditions:
Hereditary cancer-predisposing syndrome. Also called: Neoplastic Syndromes, Hereditary; Hereditary Cancer Syndrome; Tumor predisposition; Hereditary neoplastic syndrome. Identifiers: Orphanet 140162, MedGen C0027672, MeSH D009386, MONDO:0015356.
Familial adenomatous polyposis 2. Also called: FAP type 2; COLORECTAL ADENOMATOUS POLYPOSIS, AUTOSOMAL RECESSIVE; MYH-associated polyposis; MUTYH-associated polyposis; Adenomas, multiple colorectal; ADENOMAS, MULTIPLE COLORECTAL, AUTOSOMAL RECESSIVE. Identifiers: Orphanet 220460, Orphanet 247798, MedGen C3272841, MONDO:0012041, OMIM 608456.

Allele frequency attached by ClinVar (database versions not stated): 1000 Genomes Project 0.00938; gnomAD 0.02154 and 0.02177; gnomAD exomes 0.03177; 1000 Genomes Project 30x 0.00999; TOPMed 0.02068.
gnomAD v4.1: 47,651 of 1,553,774 alleles (3.1%); highest among the groups gnomAD compares: Non-Finnish European, 3.6%; 862 homozygotes.

Submissions (5):

Labcorp Genetics (formerly Invitae), Labcorp
Classification: Benign for Familial adenomatous polyposis 2. Last evaluated: 2025-11-17. Review status: criteria provided, single submitter. Criteria: Invitae Variant Classification Sherloc (09022015). Collection method: clinical testing. Allele origin: germline.

Sema4
Classification: Likely benign for Hereditary cancer-predisposing syndrome. Last evaluated: 2021-05-11. Review status: criteria provided, single submitter. Criteria: Sema4 Curation Guidelines. Collection method: curation. Allele origin: germline.

Illumina Laboratory Services, Illumina
Classification: Likely benign for Familial adenomatous polyposis 2. Last evaluated: 2017-04-27. Review status: criteria provided, single submitter. Criteria: ICSL Variant Classification Criteria 13 December 2019. Collection method: clinical testing. Allele origin: germline.
Comment: This variant was observed as part of a predisposition screen in an ostensibly healthy population. A literature search was performed for the gene, cDNA change, and amino acid change (where applicable). No publications were found based on this search. Allele frequency data from public databases allowed determination this variant is unlikely to cause disease. Therefore, this variant is classified as likely benign.

Ambry Genetics
Classification: Uncertain significance for Hereditary cancer-predisposing syndrome. Last evaluated: 2013-01-10. Review status: criteria provided, single submitter. Criteria: Ambry Autosomal Dominant and X-Linked criteria (10/2015). Collection method: clinical testing. Allele origin: germline. Observed: 1 variant allele.
Comment: There is insufficient or conflicting evidence for classification of this alteration.

Department of Pathology and Laboratory Medicine, Sinai Health System
Classification: Uncertain significance. Review status: no assertion criteria provided. Collection method: clinical testing. Allele origin: unknown. Affected: yes. Study: The Canadian Open Genetics Repository (COGR). Not counted in ClinVar's aggregate classification.